The following is an entry in ClinVar:

NM_001142800.2(EYS):c.2206G>A (p.Asp736Asn)

Gene: EYS (EGF-like photoreceptor maintenance factor; minus strand). Cytogenetic location: 6q12.
Variant type: single nucleotide variant.
Coding change: c.2206G>A on transcript NM_001142800.2 (MANE Select); coding-DNA position 2206, G replaced by A.
Protein change: p.Asp736Asn; replaces aspartic acid 736 with asparagine.
Molecular consequence: missense variant.
Genome position (GRCh38, 1-based): chr6:64,997,635, C>T on the plus strand (G>A on the coding strand, the complement: EYS is on the minus strand). VCF-style: chr6-64997635-C-T. GRCh37 (hg19) VCF-style: chr6-65707528-C-T.
Other names: c.2206G>A, p.Asp736Asn (NM_001292009.2); short protein forms D736N.
Identifiers: ClinVar variation 2072553 (VCV002072553.4), dbSNP rs2533574830, ClinGen allele CA364788424.

ClinVar aggregate classification (germline): Uncertain significance (1 of 4 stars; one submission).

Submission:

Labcorp Genetics (formerly Invitae), Labcorp
Classification: Uncertain significance. Last evaluated: 2022-01-03. Review status: criteria provided, single submitter. Criteria: Invitae Variant Classification Sherloc (09022015). Collection method: clinical testing. Allele origin: germline.
Comment: This variant is not present in population databases (gnomAD no frequency). This sequence change replaces aspartic acid, which is acidic and polar, with asparagine, which is neutral and polar, at codon 736 of the EYS protein (p.Asp736Asn). In summary, the available evidence is currently insufficient to determine the role of this variant in disease. Therefore, it has been classified as a Variant of Uncertain Significance. Algorithms developed to predict the effect of missense changes on protein structure and function output the following: SIFT: "Tolerated"; PolyPhen-2: "Benign"; Align-GVGD: "Class C0". The asparagine amino acid residue is found in multiple mammalian species, which suggests that this missense change does not adversely affect protein function. This variant has not been reported in the literature in individuals affected with EYS-related conditions.